The following is an entry in ClinVar:

ClinVar aggregate classification (germline): Likely benign (1 of 4 stars; one submission).

Submission:

Mayo Clinic Laboratories, Mayo Clinic
Classification: Likely benign. Last evaluated: 2024-05-08. Review status: criteria provided, single submitter. Criteria: ACMG Guidelines, 2015. Collection method: clinical testing. Allele origin: germline. Observed: 8 variant alleles.
Comment: BS1, BP4, BP7

NM_018006.5(TRMU):c.355+34del

Gene: TRMU (tRNA mitochondrial 2-thiouridylase; plus strand). Cytogenetic location: 22q13.31.
Variant type: Deletion.
Coding change: c.355+34del on transcript NM_018006.5 (MANE Select); 34 bases into the intron after coding-DNA position 355, one base deleted (T; older notation c.355+34delT).
Molecular consequence: intron variant.
Genome position (GRCh38, 1-based): chr22:46,343,402, T deleted; the last of 11 consecutive T bases (chr22:46,343,392-46,343,402); deleting any one gives the same sequence. VCF-style (leftmost placement, unchanged base first): chr22-46343391-AT-A. GRCh37 (hg19) VCF-style: chr22-46739288-AT-A.
Other names: p.?; c.355+34del (NM_001282785.2); c.14-3020del (NM_001282782.2); c.-6-3020del (NM_001282783.2, NM_001282784.2).
Identifiers: ClinVar variation 4684496 (VCV004684496.1).
Genomic context (GRCh38, chr22:46,343,391, plus strand): 5'-ATTTAGTTGCTTTTTTCATTATGCTGTGGATAATCTTGGTAAGTAATTTGGGTTTAAAAC[AT>A]TTTTTTTTTTAAAGACAGGGTCTCGCTCTGTCACCCAGGCTGGATTGCAGTGGTGCGATC-3'